The following is an entry in ClinVar:

NM_014244.5(ADAMTS2):c.2834C>T (p.Pro945Leu)

Gene: ADAMTS2 (ADAM metallopeptidase with thrombospondin type 1 motif 2; minus strand). Cytogenetic location: 5q35.3.
Variant type: single nucleotide variant.
Coding change: c.2834C>T on transcript NM_014244.5 (MANE Select); coding-DNA position 2834, C replaced by T.
Protein change: p.Pro945Leu; replaces proline 945 with leucine.
Molecular consequence: missense variant.
Genome position (GRCh38, 1-based): chr5:179,125,097, G>A on the plus strand (C>T on the coding strand, the complement: ADAMTS2 is on the minus strand). VCF-style: chr5-179125097-G-A. GRCh37 (hg19) VCF-style: chr5-178552098-G-A.
Other names: short protein forms P945L.
Identifiers: ClinVar variation 353094 (VCV000353094.21), dbSNP rs200309353, ClinGen allele CA3595404.

ClinVar aggregate classification (germline): Uncertain significance. Review status: criteria provided, multiple submitters, no conflicts (2 of 4 stars). 10 submissions from 10 submitters: Uncertain significance (9). 1 of the submissions does not count toward it. Last evaluated 2026-08-01.

Conditions:
Inborn genetic diseases. Identifiers: MedGen C0950123, MeSH D030342.
Ehlers-Danlos syndrome, dermatosparaxis type. Also called: Dermatosparaxis; Ehlers-Danlos syndrome, type VII, autosomal recessive; EDS VIIC. Identifiers: Orphanet 1901, MedGen C2700425, MONDO:0009161, OMIM 225410.
ADAMTS2-related disorder. Also called: ADAMTS2-related condition.

Allele frequency attached by ClinVar (database versions not stated): ESP Exome Variant Server 0.00008.
gnomAD v4.1: 115 of 1,612,814 alleles (0.0071%); highest among the groups gnomAD compares: Middle Eastern, 0.21%; no homozygotes.

Submissions (10):

CeGaT Center for Human Genetics Tuebingen
Classification: Uncertain significance. Last evaluated: 2026-08-01. Review status: criteria provided, single submitter. Criteria: CeGaT Center For Human Genetics Tuebingen Variant Classification Criteria Version 2. Collection method: clinical testing. Allele origin: germline. Affected: yes. Observed: 1 variant allele.
Comment: ADAMTS2: PM2

Women's Health and Genetics/Laboratory Corporation of America, LabCorp
Classification: Uncertain significance. Last evaluated: 2025-12-22. Review status: criteria provided, single submitter. Criteria: LabCorp Variant Classification Summary - May 2015. Collection method: clinical testing. Allele origin: germline.
Comment: Variant summary: ADAMTS2 c.2834C>T (p.Pro945Leu) results in a non-conservative amino acid change located in the Thrombospondin type-1 (TSP1) repeat (IPR036383) of the encoded protein sequence. Algorithms developed to predict the effect of missense changes on protein structure and function are either unavailable or do not agree on the potential impact of this missense change. The variant allele was found at a frequency of 6e-05 in 250408 control chromosomes (gnomAD). This frequency is not significantly higher than estimated for disease-causing variants in ADAMTS2, allowing no conclusion about variant significance. To our knowledge, no occurrence of c.2834C>T in individuals affected with ADAMTS2-related conditions and no experimental evidence demonstrating its impact on protein function have been reported. ClinVar contains an entry for this variant (Variation ID: 353094). Based on the evidence outlined above, the variant was classified as uncertain significance.

Ambry Genetics
Classification: Uncertain significance for Inborn genetic diseases. Last evaluated: 2025-11-23. Review status: criteria provided, single submitter. Criteria: Ambry Variant Classification Scheme 2023. Collection method: clinical testing. Allele origin: germline.

PreventionGenetics, part of Exact Sciences
Classification: Uncertain significance for ADAMTS2-related condition. Last evaluated: 2025-07-01. Review status: criteria provided, single submitter. Criteria: ACMG Guidelines, 2015. Collection method: clinical testing. Allele origin: germline.
Comment: The ADAMTS2 c.2834C>T variant is predicted to result in the amino acid substitution p.Pro945Leu. To our knowledge, this variant has not been reported in the literature. This variant is reported in 0.0097% of alleles in individuals of Ashkenazi Jewish descent in gnomAD. At this time, the clinical significance of this variant is uncertain due to the absence of conclusive functional and genetic evidence.

GeneDx
Classification: Uncertain significance. Last evaluated: 2024-05-15. Review status: criteria provided, single submitter. Criteria: GeneDx Variant Classification Process June 2021. Collection method: clinical testing. Allele origin: germline. Affected: yes.
Comment: Has not been previously published as pathogenic or benign to our knowledge; In silico analysis supports that this missense variant has a deleterious effect on protein structure/function

Labcorp Genetics (formerly Invitae), Labcorp
Classification: Uncertain significance for Ehlers-Danlos syndrome, dermatosparaxis type. Last evaluated: 2022-08-06. Review status: criteria provided, single submitter. Criteria: Invitae Variant Classification Sherloc (09022015). Collection method: clinical testing. Allele origin: germline.
Comment: This sequence change replaces proline, which is neutral and non-polar, with leucine, which is neutral and non-polar, at codon 945 of the ADAMTS2 protein (p.Pro945Leu). This variant is present in population databases (rs200309353, gnomAD 0.009%). This variant has not been reported in the literature in individuals affected with ADAMTS2-related conditions. ClinVar contains an entry for this variant (Variation ID: 353094). Algorithms developed to predict the effect of missense changes on protein structure and function are either unavailable or do not agree on the potential impact of this missense change (SIFT: "Deleterious"; PolyPhen-2: "Benign"; Align-GVGD: "Class C65"). In summary, the available evidence is currently insufficient to determine the role of this variant in disease. Therefore, it has been classified as a Variant of Uncertain Significance.

Fulgent Genetics
Classification: Uncertain significance for Ehlers-Danlos syndrome, dermatosparaxis type. Last evaluated: 2021-07-15. Review status: criteria provided, single submitter. Criteria: ACMG Guidelines, 2015. Collection method: clinical testing. Allele origin: unknown.

Department of Pathology and Laboratory Medicine, Sinai Health System
Classification: Uncertain significance for Ehlers-Danlos syndrome, dermatosparaxis type. Last evaluated: 2020-05-30. Review status: criteria provided, single submitter. Criteria: ACMG Guidelines, 2015. Collection method: research. Allele origin: germline.

Illumina Laboratory Services, Illumina
Classification: Uncertain significance for Ehlers-Danlos syndrome, dermatosparaxis type. Last evaluated: 2018-01-12. Review status: criteria provided, single submitter. Criteria: ICSL Variant Classification Criteria 13 December 2019. Collection method: clinical testing. Allele origin: germline.

Natera, Inc.
Classification: Uncertain significance for Ehlers-Danlos syndrome type VIIC. Last evaluated: 2020-01-17. Review status: no assertion criteria provided. Collection method: clinical testing. Allele origin: germline. Not counted in ClinVar's aggregate classification.